The following is an entry in ClinVar:

ClinVar aggregate classification (germline): Uncertain significance (1 of 4 stars; one submission).

gnomAD v4.1: 5 of 1,613,166 alleles (0.00031%); highest among the groups gnomAD compares: Non-Finnish European, 0.00042%; no homozygotes.

Submission:

Labcorp Genetics (formerly Invitae), Labcorp
Classification: Uncertain significance. Last evaluated: 2025-09-02. Review status: criteria provided, single submitter. Criteria: Invitae Variant Classification Sherloc (09022015). Collection method: clinical testing. Allele origin: germline.
Comment: This sequence change falls in intron 45 of the LAMA1 gene. It does not directly change the encoded amino acid sequence of the LAMA1 protein. It affects a nucleotide within the consensus splice site. This variant is not present in population databases (gnomAD no frequency). This variant has not been reported in the literature in individuals affected with LAMA1-related conditions. ClinVar contains an entry for this variant (Variation ID: 1508178). Variants that disrupt the consensus splice site are a relatively common cause of aberrant splicing (PMID: 17576681, 9536098). Algorithms developed to predict the effect of sequence changes on RNA splicing suggest that this variant is not likely to affect RNA splicing. In summary, the available evidence is currently insufficient to determine the role of this variant in disease. Therefore, it has been classified as a Variant of Uncertain Significance.

Literature cited by the submitters: PubMed 17576681; PubMed 9536098.

NM_005559.4(LAMA1):c.6490-3C>T

Gene: LAMA1 (laminin subunit alpha 1; minus strand). Cytogenetic location: 18p11.31.
Variant type: single nucleotide variant.
Coding change: c.6490-3C>T on transcript NM_005559.4 (MANE Select); 3 bases into the intron before coding-DNA position 6490, C replaced by T.
Molecular consequence: intron variant.
Genome position (GRCh38, 1-based): chr18:6,975,039, G>A on the plus strand (C>T on the coding strand, the complement: LAMA1 is on the minus strand). VCF-style: chr18-6975039-G-A. GRCh37 (hg19) VCF-style: chr18-6975038-G-A.
Identifiers: ClinVar variation 1508178 (VCV001508178.6), dbSNP rs771017428, ClinGen allele CA781888246.